The following is an entry in ClinVar:

ClinVar aggregate classification (germline): Uncertain significance (1 of 4 stars; one submission).

Conditions:
Pitt-Hopkins syndrome (PTHS). Also called: ENCEPHALOPATHY, SEVERE EPILEPTIC, WITH AUTONOMIC DYSFUNCTION; MENTAL RETARDATION, SYNDROMAL, WITH INTERMITTENT HYPERVENTILATION. Identifiers: Orphanet 2896, MedGen C1970431, MONDO:0012589, OMIM 610954.

Submission:

Labcorp Genetics (formerly Invitae), Labcorp
Classification: Uncertain significance for Pitt-Hopkins syndrome. Last evaluated: 2024-05-15. Review status: criteria provided, single submitter. Criteria: Invitae Variant Classification Sherloc (09022015). Collection method: clinical testing. Allele origin: germline.
Comment: This sequence change replaces glycine, which is neutral and non-polar, with alanine, which is neutral and non-polar, at codon 72 of the TCF4 protein (p.Gly72Ala). This variant is not present in population databases (gnomAD no frequency). This variant has not been reported in the literature in individuals affected with TCF4-related conditions. ClinVar contains an entry for this variant (Variation ID: 1930940). Advanced modeling of protein sequence and biophysical properties (such as structural, functional, and spatial information, amino acid conservation, physicochemical variation, residue mobility, and thermodynamic stability) performed at Invitae indicates that this missense variant is not expected to disrupt TCF4 protein function with a negative predictive value of 95%. In summary, the available evidence is currently insufficient to determine the role of this variant in disease. Therefore, it has been classified as a Variant of Uncertain Significance.

NM_001083962.2(TCF4):c.215G>C (p.Gly72Ala)

Genes: TCF4 (transcription factor 4; minus strand), TCF4-AS1 (TCF4 antisense RNA 1; plus strand). Cytogenetic location: 18q21.2.
Variant type: single nucleotide variant.
Coding change: c.215G>C on transcript NM_001083962.2 (MANE Select); coding-DNA position 215, G replaced by C.
Protein change: p.Gly72Ala; replaces glycine 72 with alanine.
Molecular consequence: missense variant.
Genome position (GRCh38, 1-based): chr18:55,461,108, C>G on the plus strand (G>C on the coding strand, the complement: TCF4 is on the minus strand). VCF-style: chr18-55461108-C-G. GRCh37 (hg19) VCF-style: chr18-53128339-C-G.
Other names: c.521G>C, p.Gly174Ala (NM_001243226.3); c.143G>C, p.Gly48Ala (NM_001243227.2, NM_001306207.1, NM_001348217.1 and 15 more transcripts); c.215G>C, p.Gly72Ala (NM_001243228.2, NM_001330604.3, NM_001369567.1 and 8 more transcripts); c.209G>C, p.Gly70Ala (NM_001243230.2); c.89G>C, p.Gly30Ala (NM_001243231.2, NM_001348211.2); short protein forms G30A, G48A, G72A, G70A, G174A.
Identifiers: ClinVar variation 1930940 (VCV001930940.5), dbSNP rs2513639035, ClinGen allele CA402703631.
Genomic context (GRCh38, chr18:55,461,108, plus strand): 5'-GAGAGATTGTCATGTGACCCAAGGTCCCTGCTGGTCATGTGGTCATAGGGAGTCCCATCT[C>G]CATAGTTCTGTAAATAAAATGACAGTGTAAGTTATTATTTTATATTAATAAACAGCACAT-3'
Protein context (NP_001077431.1, residues 62-82): GGHPSPSRNY[Gly72Ala]DGTPYDHMTS